The following is an entry in ClinVar:

ClinVar aggregate classification (germline): Uncertain significance (1 of 4 stars; one submission).

Conditions:
Inborn genetic diseases. Identifiers: MedGen C0950123, MeSH D030342.

gnomAD v4.1: 1 of 1,606,246 alleles (0.000062%); highest among the groups gnomAD compares: Admixed American, 0.0017%; no homozygotes.

Submission:

Ambry Genetics
Classification: Uncertain significance for Inborn genetic diseases. Last evaluated: 2024-11-26. Review status: criteria provided, single submitter. Criteria: Ambry Variant Classification Scheme 2023. Collection method: clinical testing. Allele origin: germline.
Comment: The p.K952R variant (also known as c.2855A>G), located in coding exon 24 of the ANKRD26 gene, results from an A to G substitution at nucleotide position 2855. The lysine at codon 952 is replaced by arginine, an amino acid with highly similar properties. This amino acid position is conserved. In addition, this alteration is predicted to be tolerated by in silico analysis. Based on the available evidence, the clinical significance of this variant remains unclear.

NM_014915.3(ANKRD26):c.2855A>G (p.Lys952Arg)

Gene: ANKRD26 (ankyrin repeat domain containing 26; minus strand). Cytogenetic location: 10p12.1.
Variant type: single nucleotide variant.
Coding change: c.2855A>G on transcript NM_014915.3 (MANE Select); coding-DNA position 2855, A replaced by G.
Protein change: p.Lys952Arg; replaces lysine 952 with arginine.
Molecular consequence: missense variant.
Genome position (GRCh38, 1-based): chr10:27,035,595, T>C on the plus strand (A>G on the coding strand, the complement: ANKRD26 is on the minus strand). VCF-style: chr10-27035595-T-C. GRCh37 (hg19) VCF-style: chr10-27324524-T-C.
Other names: c.2852A>G, p.Lys951Arg (NM_001256053.2); short protein forms K952R, K951R.
Identifiers: ClinVar variation 3396815 (VCV003396815.1).
Genomic context (GRCh38, chr10:27,035,595, plus strand): 5'-GATATTGTTTGTGTTAATGTTTCCTCATTCTGTTTTATAGTCTTCTGAAGGTCTTCATTC[T>C]TTTCTTTTACAATTTTAAGGTCCTCAAAACATTTCTTTTCTTTTTCCTGGTTTTGATTTT-3'
Protein context (NP_055730.2, residues 942-962): CFEDLKIVKE[Lys952Arg]NEDLQKTIKQ